The following is an entry in ClinVar:

ClinVar aggregate classification (germline): Uncertain significance (1 of 4 stars; one submission).

Conditions:
Inborn genetic diseases. Identifiers: MedGen C0950123, MeSH D030342.

Submission:

Ambry Genetics
Classification: Uncertain significance for Inborn genetic diseases. Last evaluated: 2024-02-10. Review status: criteria provided, single submitter. Criteria: Ambry Variant Classification Scheme 2023. Collection method: clinical testing. Allele origin: germline.
Comment: The p.V164M variant (also known as c.490G>A), located in coding exon 4 of the ATR gene, results from a G to A substitution at nucleotide position 490. The valine at codon 164 is replaced by methionine, an amino acid with highly similar properties. This amino acid position is conserved. In addition, this alteration is predicted to be tolerated by in silico analysis. Based on the available evidence, the clinical significance of this alteration remains unclear.

NM_001184.4(ATR):c.490G>A (p.Val164Met)

Gene: ATR (ATR checkpoint kinase; minus strand). Cytogenetic location: 3q23.
Variant type: single nucleotide variant.
Coding change: c.490G>A on transcript NM_001184.4 (MANE Select); coding-DNA position 490, G replaced by A.
Protein change: p.Val164Met; replaces valine 164 with methionine.
Molecular consequence: missense variant.
Genome position (GRCh38, 1-based): chr3:142,562,912, C>T on the plus strand (G>A on the coding strand, the complement: ATR is on the minus strand). VCF-style: chr3-142562912-C-T. GRCh37 (hg19) VCF-style: chr3-142281754-C-T.
Other names: c.490G>A, p.Val164Met (NM_001354579.2); short protein forms V164M.
Identifiers: ClinVar variation 3221189 (VCV003221189.1), dbSNP rs2473429318, ClinGen allele CA354826758.